The following is an entry in ClinVar:

ClinVar aggregate classification (germline): Uncertain significance. Review status: criteria provided, multiple submitters, no conflicts (2 of 4 stars). 3 submissions from 3 submitters: Uncertain significance (3). Last evaluated 2026-08-01.

Conditions:
Inborn genetic diseases. Identifiers: MedGen C0950123, MeSH D030342.

Submissions (3):

CeGaT Center for Human Genetics Tuebingen
Classification: Uncertain significance. Last evaluated: 2026-08-01. Review status: criteria provided, single submitter. Criteria: CeGaT Center For Human Genetics Tuebingen Variant Classification Criteria Version 2. Collection method: clinical testing. Allele origin: germline. Affected: yes. Observed: 1 variant allele.
Comment: KCNQ5: PM2, PP3

Labcorp Genetics (formerly Invitae), Labcorp
Classification: Uncertain significance. Last evaluated: 2024-06-25. Review status: criteria provided, single submitter. Criteria: Invitae Variant Classification Sherloc (09022015). Collection method: clinical testing. Allele origin: germline.
Comment: This sequence change replaces threonine, which is neutral and polar, with serine, which is neutral and polar, at codon 67 of the KCNQ5 protein (p.Thr67Ser). This variant is not present in population databases (gnomAD no frequency). This variant has not been reported in the literature in individuals affected with KCNQ5-related conditions. ClinVar contains an entry for this variant (Variation ID: 2230190). Advanced modeling of protein sequence and biophysical properties (such as structural, functional, and spatial information, amino acid conservation, physicochemical variation, residue mobility, and thermodynamic stability) performed at Invitae indicates that this missense variant is not expected to disrupt KCNQ5 protein function with a negative predictive value of 95%. In summary, the available evidence is currently insufficient to determine the role of this variant in disease. Therefore, it has been classified as a Variant of Uncertain Significance.

Ambry Genetics
Classification: Uncertain significance for Inborn genetic diseases. Last evaluated: 2021-03-25. Review status: criteria provided, single submitter. Criteria: Ambry Variant Classification Scheme 2023. Collection method: clinical testing. Allele origin: germline.
Comment: The c.199A>T (p.T67S) alteration is located in exon 1 (coding exon 1) of the KCNQ5 gene. This alteration results from a A to T substitution at nucleotide position 199, causing the threonine (T) at amino acid position 67 to be replaced by a serine (S). The p.T67S alteration is predicted to be tolerated by in silico analysis. Based on insufficient or conflicting evidence, the clinical significance of this alteration remains unclear.

NM_019842.4(KCNQ5):c.199A>T (p.Thr67Ser)

Genes: KCNQ5 (potassium voltage-gated channel subfamily Q member 5; plus strand), KCNQ5-DT (KCNQ5 divergent transcript; minus strand). Cytogenetic location: 6q13.
Variant type: single nucleotide variant.
Coding change: c.199A>T on transcript NM_019842.4 (MANE Select); coding-DNA position 199, A replaced by T.
Protein change: p.Thr67Ser; replaces threonine 67 with serine.
Molecular consequence: missense variant.
Genome position (GRCh38, 1-based): chr6:72,622,388, A>T. VCF-style: chr6-72622388-A-T. GRCh37 (hg19) VCF-style: chr6-73332116-A-T.
Other names: c.199A>T, p.Thr67Ser (NM_001160130.2, NM_001160132.2, NM_001160133.2 and 1 more transcripts); short protein forms T67S.
Identifiers: ClinVar variation 2230190 (VCV002230190.5), dbSNP rs952306997, ClinGen allele CA141452124.